The following is an entry in ClinVar:

NM_001039111.3(TRIM71):c.2599G>A (p.Val867Ile)

Gene: TRIM71 (tripartite motif containing 71; plus strand). Cytogenetic location: 3p22.3.
Variant type: single nucleotide variant.
Coding change: c.2599G>A on transcript NM_001039111.3 (MANE Select); coding-DNA position 2599, G replaced by A.
Protein change: p.Val867Ile; replaces valine 867 with isoleucine.
Molecular consequence: missense variant.
Genome position (GRCh38, 1-based): chr3:32,891,803, G>A. VCF-style: chr3-32891803-G-A. GRCh37 (hg19) VCF-style: chr3-32933295-G-A.
Other names: short protein forms V867I.
Identifiers: ClinVar variation 4981165 (VCV004981165.1).

ClinVar aggregate classification (germline): Likely benign (1 of 4 stars; one submission).

Conditions:
TRIM71-related disorder. Also called: TRIM71-related condition.

gnomAD v4.1: 2,026 of 1,613,640 alleles (0.13%); highest among the groups gnomAD compares: Non-Finnish European, 0.15%; 1 homozygote.

Submission:

PreventionGenetics, part of Exact Sciences
Classification: Likely benign for TRIM71-related condition. Last evaluated: 2025-05-04. Review status: criteria provided, single submitter. Criteria: ACMG Guidelines, 2015. Collection method: clinical testing. Allele origin: germline.
Comment: This variant is classified as likely benign based on ACMG/AMP sequence variant interpretation guidelines (Richards et al. 2015 PMID: 25741868, with internal and published modifications).